The following is an entry in ClinVar:

ClinVar aggregate classification (germline): Pathogenic (1 of 4 stars; one submission).

Conditions:
Familial cancer of breast. Also called: Hereditary breast cancer; hereditary breast carcinoma; BREAST CANCER, FAMILIAL. Identifiers: Orphanet 227535, MedGen C0346153, MONDO:0016419, OMIM 114480. Disease mechanism: loss of function.

Submission:

Labcorp Genetics (formerly Invitae), Labcorp
Classification: Pathogenic for Familial cancer of breast. Last evaluated: 2023-12-08. Review status: criteria provided, single submitter. Criteria: Invitae Variant Classification Sherloc (09022015). Collection method: clinical testing. Allele origin: germline.
Comment: This variant is a gross deletion of the genomic region encompassing exon(s) 8 of the PALB2 gene. This deletion is out-of-frame, and is expected to create a premature termination codon and result in an absent or disrupted protein product. Loss-of-function variants in PALB2 are known to be pathogenic (PMID: 17200668, 17200671, 17200672, 24136930, 25099575). This variant has not been reported in the literature in individuals affected with PALB2-related conditions. For these reasons, this variant has been classified as Pathogenic.

Literature cited by the submitters: PubMed 17200668; PubMed 17200671; PubMed 17200672; PubMed 24136930; PubMed 25099575.

NC_000016.10:g.(?_23623999)_(23624104_?)del

Gene: PALB2 (partner and localizer of BRCA2; minus strand). Cytogenetic location: 16p12.2.
Variant type: Deletion.
Identifiers: ClinVar variation 584173 (VCV000584173.8).